The following is an entry in ClinVar:

ClinVar aggregate classification (germline): Uncertain significance (1 of 4 stars; one submission).

Conditions:
Multiple gastrointestinal atresias. Also called: FAMILIAL INTESTINAL POLYATRESIA SYNDROME; Multiple intestinal atresia. Identifiers: Orphanet 2300, MedGen C0220744, MONDO:0009465.

Submission:

Labcorp Genetics (formerly Invitae), Labcorp
Classification: Uncertain significance for Multiple gastrointestinal atresias. Last evaluated: 2022-08-19. Review status: criteria provided, single submitter. Criteria: Invitae Variant Classification Sherloc (09022015). Collection method: clinical testing. Allele origin: germline.
Comment: This sequence change replaces serine, which is neutral and polar, with cysteine, which is neutral and slightly polar, at codon 696 of the TTC7A protein (p.Ser696Cys). This variant is present in population databases (rs758407638, gnomAD 0.003%). This variant has not been reported in the literature in individuals affected with TTC7A-related conditions. ClinVar contains an entry for this variant (Variation ID: 1496693). Algorithms developed to predict the effect of missense changes on protein structure and function are either unavailable or do not agree on the potential impact of this missense change (SIFT: "Deleterious"; PolyPhen-2: "Possibly Damaging"; Align-GVGD: "Class C0"). In summary, the available evidence is currently insufficient to determine the role of this variant in disease. Therefore, it has been classified as a Variant of Uncertain Significance.

NM_020458.4(TTC7A):c.2087C>G (p.Ser696Cys)

Gene: TTC7A (tetratricopeptide repeat domain 7A; plus strand). Cytogenetic location: 2p21.
Variant type: single nucleotide variant.
Coding change: c.2087C>G on transcript NM_020458.4 (MANE Select); coding-DNA position 2087, C replaced by G.
Protein change: p.Ser696Cys; replaces serine 696 with cysteine.
Molecular consequence: missense variant.
Genome position (GRCh38, 1-based): chr2:47,051,815, C>G. VCF-style: chr2-47051815-C-G. GRCh37 (hg19) VCF-style: chr2-47278954-C-G.
Other names: c.2159C>G, p.Ser720Cys (NM_001288951.2); c.1985C>G, p.Ser662Cys (NM_001288953.2); c.1025C>G, p.Ser342Cys (NM_001288955.2); short protein forms S662C, S696C, S342C, S720C.
Identifiers: ClinVar variation 1496693 (VCV001496693.6), dbSNP rs758407638, ClinGen allele CA1648008.